The following is an entry in ClinVar:

NM_183050.4(BCKDHB):c.152del (p.Val51fs)

Gene: BCKDHB (branched chain keto acid dehydrogenase E1 subunit beta; plus strand). Cytogenetic location: 6q14.1.
Variant type: Deletion.
Coding change: c.152del on transcript NM_183050.4 (MANE Select); coding-DNA position 152, one base deleted (T; older notation c.152delT).
Protein change: p.Val51fs; shifts the reading frame from valine 51.
Molecular consequence: frameshift variant. On other transcripts: non-coding transcript variant (1), intron variant (1).
Genome position (GRCh38, 1-based): chr6:80,106,845, T deleted. VCF-style (leftmost placement, unchanged base first): chr6-80106844-GT-G. GRCh37 (hg19) VCF-style: chr6-80816561-GT-G.
Other names: c.152delT (NM_183050.4, NM_183050.3); c.152del, p.Val51fs (NM_000056.5); c.-15+162del (NM_001318975.1); c.152del (NM_000056.4); short protein forms V51fs.
Identifiers: ClinVar variation 527129 (VCV000527129.11), dbSNP rs867612284, ClinGen allele CA142276837.

ClinVar aggregate classification (germline): Pathogenic. Review status: criteria provided, multiple submitters, no conflicts (2 of 4 stars). 6 submissions from 6 submitters: Pathogenic (6). Last evaluated 2026-06-05.

Conditions:
Maple syrup urine disease type 1B (MSUD1B). Also called: MSUD type IB; MSUD type 3 (formerly); MSUD due to deficiency of e1-beta subunit of branched-chain alpha-keto acid dehydrogenase complex. Identifiers: MedGen C2930990, MONDO:0023692, OMIM 620698.
Maple syrup urine disease (MSUD). Identifiers: Orphanet 511, MedGen C0024776, MeSH D008375, MONDO:0009563. Disease mechanism: loss of function.
Maple syrup urine disease type 1A (MSUD1A). Also called: MSUD type 1A. Identifiers: MedGen C1855369, MONDO:0023691, OMIM 248600.

Allele frequency attached by ClinVar (database versions not stated): gnomAD 0.00001; ESP Exome Variant Server 0.00123.

Submissions (6):

Myriad Genetics, Inc.
Classification: Pathogenic for Maple syrup urine disease type 1B. Last evaluated: 2026-06-05. Review status: criteria provided, single submitter. Criteria: Myriad Autosomal Dominant, Autosomal Recessive and X-Linked Classification Criteria (2023). Collection method: clinical testing. Allele origin: unknown.
Comment: NM_183050.2(BCKDHB):c.152delT(V51Gfs*21) is a frameshift variant classified as pathogenic in the context of maple syrup urine disease type Ib. V51Gfs*21 has been observed in a case with relevant disease (PMID: 39519275). Relevant functional assessments of this variant are not available in the literature. V51Gfs*21 has not been observed in referenced population frequency databases. In summary, NM_183050.2(BCKDHB):c.152delT(V51Gfs*21) is a frameshift variant in a gene where loss of function is a known mechanism of disease, is predicted to disrupt protein function, and has been observed more frequently in cases with the relevant disease than in healthy populations. Please note: this variant was assessed in the context of healthy population screening.

Natera, Inc.
Classification: Pathogenic for Maple syrup urine disease type 1B. Last evaluated: 2026-01-28. Review status: criteria provided, single submitter. Criteria: Natera Variant Classification Schema (03/2026). Collection method: clinical testing. Allele origin: germline.
Comment: The c.152delT variant in BCKDHB is a frameshift variant predicted to shift the reading frame beginning at codon 51 and leads to a stop codon 21 codons downstream. This variant is expected to result in nonsense mediated decay, truncation, or a dysfunctional protein product. This variant is rare in the general population with a frequency below the threshold expected for the associated phenotype(s). This variant has been observed in one or more individuals affected with the associated recessive disease, as either homozygous or compound heterozygous with a second variant (PMID: 39519275). Given the available evidence, this variant is classified as Pathogenic.

Women's Health and Genetics/Laboratory Corporation of America, LabCorp
Classification: Pathogenic for Maple syrup urine disease. Last evaluated: 2024-07-30. Review status: criteria provided, single submitter. Criteria: LabCorp Variant Classification Summary - May 2015. Collection method: clinical testing. Allele origin: germline.
Comment: Variant summary: BCKDHB c.152delT (p.Val51GlyfsX21) results in a premature termination codon, predicted to cause a truncation of the encoded protein or absence of the protein due to nonsense mediated decay, which are commonly known mechanisms for disease. The variant allele was found at a frequency of 3.2e-05 in 31374 control chromosomes (gnomAD). To our knowledge, no occurrence of c.152delT in individuals affected with Maple Syrup Urine Disease and no experimental evidence demonstrating its impact on protein function have been reported. ClinVar contains an entry for this variant (Variation ID: 527129). Based on the evidence outlined above, the variant was classified as pathogenic.

Baylor Genetics
Classification: Pathogenic for Maple syrup urine disease type 1A. Last evaluated: 2023-08-02. Review status: criteria provided, single submitter. Criteria: ACMG Guidelines, 2015. Collection method: clinical testing. Allele origin: unknown.

3billion
Classification: Pathogenic for Maple syrup urine disease type 1A. Last evaluated: 2023-07-25. Review status: criteria provided, single submitter. Criteria: ACMG Guidelines, 2015. Collection method: clinical testing. Allele origin: germline. Affected: yes.
Comment: The variant is observed at an extremely low frequency in the gnomAD v2.1.1 dataset (total allele frequency: 0.003%). Predicted Consequence/Location: Frameshift: predicted to result in a loss or disruption of normal protein function through nonsense-mediated decay (NMD) or protein truncation. Multiple pathogenic variants are reported downstream of the variant. The variant has been reported to be associated with BCKDHB related disorder (ClinVar ID: VCV000527129). However, the evidence of pathogenicity is insufficient at this time. Therefore, this variant is classified as Pathogenic according to the recommendation of ACMG/AMP guideline.

Labcorp Genetics (formerly Invitae), Labcorp
Classification: Pathogenic for Maple syrup urine disease. Last evaluated: 2023-06-14. Review status: criteria provided, single submitter. Criteria: Invitae Variant Classification Sherloc (09022015). Collection method: clinical testing. Allele origin: germline.
Comment: For these reasons, this variant has been classified as Pathogenic. ClinVar contains an entry for this variant (Variation ID: 527129). This variant has not been reported in the literature in individuals affected with BCKDHB-related conditions. This variant is not present in population databases (gnomAD no frequency). This sequence change creates a premature translational stop signal (p.Val51Glyfs*21) in the BCKDHB gene. It is expected to result in an absent or disrupted protein product. Loss-of-function variants in BCKDHB are known to be pathogenic (PMID: 16786533, 22593002).

Literature cited by the submitters: PubMed 39519275 (cited by Myriad Genetics, Inc. and Natera, Inc.); PubMed 16786533 (cited by Labcorp Genetics (formerly Invitae), Labcorp); PubMed 22593002 (cited by Labcorp Genetics (formerly Invitae), Labcorp).